The following is an entry in ClinVar:

NM_020812.4(DOCK6):c.2718+5G>C

Gene: DOCK6 (dedicator of cytokinesis 6; minus strand). Cytogenetic location: 19p13.2.
Variant type: single nucleotide variant.
Coding change: c.2718+5G>C on transcript NM_020812.4 (MANE Select); 5 bases into the intron after coding-DNA position 2718, G replaced by C.
Molecular consequence: intron variant.
Genome position (GRCh38, 1-based): chr19:11,233,198, C>G on the plus strand (G>C on the coding strand, the complement: DOCK6 is on the minus strand). VCF-style: chr19-11233198-C-G. GRCh37 (hg19) VCF-style: chr19-11343874-C-G.
Other names: c.2718+5G>C (NM_001367830.1).
Identifiers: ClinVar variation 1906987 (VCV001906987.3), dbSNP rs756991448, ClinGen allele CA9207535.

ClinVar aggregate classification (germline): Uncertain significance (1 of 4 stars; one submission).

Allele frequency attached by ClinVar (database versions not stated): gnomAD 0.00001; gnomAD exomes 0.00001; ExAC 0.00003.

Submission:

Labcorp Genetics (formerly Invitae), Labcorp
Classification: Uncertain significance. Last evaluated: 2022-08-15. Review status: criteria provided, single submitter. Criteria: Invitae Variant Classification Sherloc (09022015). Collection method: clinical testing. Allele origin: germline.
Comment: In summary, the available evidence is currently insufficient to determine the role of this variant in disease. Therefore, it has been classified as a Variant of Uncertain Significance. Variants that disrupt the consensus splice site are a relatively common cause of aberrant splicing (PMID: 17576681, 9536098). Algorithms developed to predict the effect of sequence changes on RNA splicing suggest that this variant is not likely to affect RNA splicing. This variant has not been reported in the literature in individuals affected with DOCK6-related conditions. This variant is present in population databases (rs756991448, gnomAD 0.005%). This sequence change falls in intron 22 of the DOCK6 gene. It does not directly change the encoded amino acid sequence of the DOCK6 protein. It affects a nucleotide within the consensus splice site.

Literature cited by the submitters: PubMed 17576681; PubMed 9536098.